The following is an entry in ClinVar:

ClinVar aggregate classification (germline): Uncertain significance (1 of 4 stars; one submission).

Conditions:
Brachyolmia-amelogenesis imperfecta syndrome. Also called: PLATYSPONDYLY WITH AMELOGENESIS IMPERFECTA; Tooth agenesis, selective, 6; Dental anomalies and short stature. Identifiers: Orphanet 2899, MedGen C1832594, MONDO:0011018, OMIM 601216. Disease mechanism: loss of function.

Submission:

Labcorp Genetics (formerly Invitae), Labcorp
Classification: Uncertain significance for Brachyolmia-amelogenesis imperfecta syndrome. Last evaluated: 2024-05-02. Review status: criteria provided, single submitter. Criteria: Invitae Variant Classification Sherloc (09022015). Collection method: clinical testing. Allele origin: germline.
Comment: This sequence change replaces glycine, which is neutral and non-polar, with tryptophan, which is neutral and slightly polar, at codon 738 of the LTBP3 protein (p.Gly738Trp). This variant is present in population databases (rs377496105, gnomAD 0.006%). This variant has not been reported in the literature in individuals affected with LTBP3-related conditions. An algorithm developed to predict the effect of missense changes on protein structure and function (PolyPhen-2) suggests that this variant is likely to be disruptive. In summary, the available evidence is currently insufficient to determine the role of this variant in disease. Therefore, it has been classified as a Variant of Uncertain Significance.

NM_001130144.3(LTBP3):c.2212G>T (p.Gly738Trp)

Genes: LTBP3 (latent transforming growth factor beta binding protein 3; minus strand), LOC130006030 (ATAC-STARR-seq lymphoblastoid silent region 3533; plus strand). Cytogenetic location: 11q13.1.
Variant type: single nucleotide variant.
Coding change: c.2212G>T on transcript NM_001130144.3 (MANE Select); coding-DNA position 2212, G replaced by T.
Protein change: p.Gly738Trp; replaces glycine 738 with tryptophan.
Molecular consequence: missense variant.
Genome position (GRCh38, 1-based): chr11:65,546,816, C>A on the plus strand (G>T on the coding strand, the complement: LTBP3 is on the minus strand). VCF-style: chr11-65546816-C-A. GRCh37 (hg19) VCF-style: chr11-65314287-C-A.
Other names: c.1861G>T, p.Gly621Trp (NM_001164266.1); c.2212G>T, p.Gly738Trp (NM_021070.4); short protein forms G738W, G621W.
Identifiers: ClinVar variation 3010387 (VCV003010387.3), dbSNP rs377496105, ClinGen allele CA6100713.